The following is an entry in ClinVar:

NM_000875.5(IGF1R):c.2132_2143del (p.Ala711_Glu714del)

Gene: IGF1R (insulin like growth factor 1 receptor; plus strand). Cytogenetic location: 15q26.3.
Variant type: Deletion.
Coding change: c.2132_2143del on transcript NM_000875.5 (MANE Select); coding-DNA positions 2132 to 2143, 12 bases deleted (CCGAGAAGGAGG).
Protein change: p.Ala711_Glu714del.
Molecular consequence: inframe deletion.
Genome position (GRCh38, 1-based): chr15:98,916,807-98,916,818, CCGAGAAGGAGG deleted; deleting any 12 consecutive bases within chr15:98,916,804-98,916,818 gives the same sequence; the c. name uses the placement nearest the transcript's 3' end. VCF-style (leftmost placement, unchanged base first): chr15-98916803-CAGGCCGAGAAGG-C. GRCh37 (hg19) VCF-style: chr15-99460032-CAGGCCGAGAAGG-C.
Other names: c.2132_2143del, p.Ala711_Glu714del (NM_001291858.2).
Identifiers: ClinVar variation 3366906 (VCV003366906.2).

ClinVar aggregate classification (germline): Pathogenic (0 of 4 stars; one submission).

Conditions:
Growth delay due to insulin-like growth factor I resistance. Also called: Somatomedin end-organ insensitivity to; Somatomedin-c resistance to; IGF-1 resistance; IGF-I RESISTANCE; Insulin-Like Growth Factor I Resistance. Identifiers: Orphanet 73273, MedGen C1849157, MONDO:0010038, OMIM 270450.

Submission:

Centre de Génétique Humaine, Institut de Pathologie Et de Génétique
Classification: Pathogenic for Growth delay due to insulin-like growth factor I resistance. Last evaluated: 2024-10-22. Review status: no assertion criteria provided. Collection method: clinical testing, research. Allele origin: biparental, not applicable. Inheritance: Autosomal recessive inheritance. Affected: yes. Observed: 2 variant alleles, 2 homozygotes. Clinical features observed: Severe short stature (HP:0003510), Microcephaly (HP:0000252), Intellectual disability (HP:0001249), Global developmental delay (HP:0001263), Sensorineural hearing loss disorder (HP:0000407), Glucose intolerance (HP:0001952), Clinodactyly (HP:0030084), Short middle phalanx of the 5th finger (HP:0004220), Short middle phalanx of the 2nd finger (HP:0009577), Heart, malformation of (HP:0001627), Cerebellar vermis hypoplasia (HP:0001320). Functional consequence: Decreased function.
Comment: The c.21322143del p.Ala711_glu714del variant will be reported at homozygous state in two siblings with severe microcephalic dwarphism. Parents are heterozygous and present with mild short stature. The in-frame deletion within the IGF1R extracellular region did not reduce receptor expression or alter cell surface localization and could still bind IGF-I although IGF-I-induced signaling was significantly compromised. A CRISPR/Cas9 gene-edited Igf1rKI/KI knock-in mouse model was viable, recapitulated the severe growth impairment and IGF-I resistance, and highlighted compromised skeletal integrity that started in utero. Osteoblast differentiation using generated patient-derived induced pluripotent stem cells (iPSC) and its isogenic control iPSC, supported reduced bone mineralization.